The following is an entry in ClinVar:

ClinVar aggregate classification (germline): Likely pathogenic (1 of 4 stars; one submission).

Conditions:
Bainbridge-Ropers syndrome. Also called: Severe feeding difficulties-failure to thrive-microcephaly due to ASXL3 deficiency syndrome. Identifiers: Orphanet 352577, MedGen C4750837, MONDO:0014205, OMIM 615485.

Submission:

Diagnostics Services (NGS), CSIR - Centre For Cellular And Molecular Biology
Classification: Likely pathogenic for Bainbridge-Ropers syndrome. Last evaluated: 2025-11-04. Review status: criteria provided, single submitter. Criteria: ACMG Guidelines, 2015. Collection method: clinical testing. Allele origin: germline. Affected: yes. Observed: 1 variant allele, 1 heterozygote.
Comment: The c.1735_1736del variant is not present in 1000 Genomes, EVS, gnomAD, Indian Exome Database or our internal database. This variant has neither been published in the literature for ASXL3-related conditions nor reported to the Human Genome Mutation Database (HGMD), OMIM, or ClinVar databases in any affected individuals. In-silico pathogenicity prediction programs like MutationTaster2021, CADD, Franklin, Varsome etc predicted this variant to be likely deleterious. This variant causes frameshift at the 579th amino acid position of the wild-type transcript which creates a premature translational stop signal at the altered transcript that may either result in translation of a truncated protein or cause nonsense mediated decay of the mRNA.

NM_030632.3(ASXL3):c.1735_1736del (p.Leu579fs)

Gene: ASXL3 (ASXL transcriptional regulator 3; plus strand). Cytogenetic location: 18q12.1.
Variant type: Microsatellite.
Coding change: c.1735_1736del on transcript NM_030632.3 (MANE Select); coding-DNA positions 1735 to 1736, 2 bases deleted (CT; older notation c.1735_1736delCT).
Protein change: p.Leu579fs; shifts the reading frame from leucine 579.
Molecular consequence: frameshift variant.
Genome position (GRCh38, 1-based): chr18:33,739,139-33,739,140, CT deleted; deleting any 2 consecutive bases within chr18:33,739,136-33,739,140 gives the same sequence; the c. name uses the placement nearest the transcript's 3' end. VCF-style (leftmost placement, unchanged base first): chr18-33739135-TTC-T. GRCh37 (hg19) VCF-style: chr18-31319099-TTC-T.
Other names: short protein forms L579fs.
Identifiers: ClinVar variation 4533271 (VCV004533271.1).
Genomic context (GRCh38, chr18:33,739,135, plus strand): 5'-ACATAAGGAGTCAGAAACTGCAGTAGAGACCAGTACCCCCAAAATAAAAACAGGGTCATC[TTC>T]TCTAGAAGGCCAGTTTCCAAATGAAGGAATTGCTATAGATATGGAGCTACAGAGTGACCC-3'